The following is an entry in ClinVar:

NM_005732.4(RAD50):c.2261T>A (p.Leu754Gln)

Gene: RAD50 (RAD50 double strand break repair protein; plus strand). Cytogenetic location: 5q31.1.
Variant type: single nucleotide variant.
Coding change: c.2261T>A on transcript NM_005732.4 (MANE Select); coding-DNA position 2261, T replaced by A.
Protein change: p.Leu754Gln; replaces leucine 754 with glutamine.
Molecular consequence: missense variant.
Genome position (GRCh38, 1-based): chr5:132,603,353, T>A. VCF-style: chr5-132603353-T-A. GRCh37 (hg19) VCF-style: chr5-131939045-T-A.
Other names: short protein forms L754Q.
Identifiers: ClinVar variation 820981 (VCV000820981.9), dbSNP rs1581000969, ClinGen allele CA360954108.

ClinVar aggregate classification (germline): Uncertain significance. Review status: criteria provided, multiple submitters, no conflicts (2 of 4 stars). 2 submissions from 2 submitters: Uncertain significance (2). Last evaluated 2022-07-22.

Conditions:
Hereditary cancer-predisposing syndrome. Also called: Neoplastic Syndromes, Hereditary; Tumor predisposition; Hereditary Cancer Syndrome; Hereditary neoplastic syndrome. Identifiers: Orphanet 140162, MedGen C0027672, MeSH D009386, MONDO:0015356.

Submissions (2):

Labcorp Genetics (formerly Invitae), Labcorp
Classification: Uncertain significance for Hereditary cancer-predisposing syndrome. Last evaluated: 2022-07-22. Review status: criteria provided, single submitter. Criteria: Invitae Variant Classification Sherloc (09022015). Collection method: clinical testing. Allele origin: germline.
Comment: ClinVar contains an entry for this variant (Variation ID: 820981). In summary, the available evidence is currently insufficient to determine the role of this variant in disease. Therefore, it has been classified as a Variant of Uncertain Significance. Algorithms developed to predict the effect of missense changes on protein structure and function are either unavailable or do not agree on the potential impact of this missense change (SIFT: "Deleterious"; PolyPhen-2: "Benign"; Align-GVGD: "Class C0"). This variant has not been reported in the literature in individuals affected with RAD50-related conditions. This variant is not present in population databases (gnomAD no frequency). This sequence change replaces leucine, which is neutral and non-polar, with glutamine, which is neutral and polar, at codon 754 of the RAD50 protein (p.Leu754Gln).

Ambry Genetics
Classification: Uncertain significance for Hereditary cancer-predisposing syndrome. Last evaluated: 2019-02-13. Review status: criteria provided, single submitter. Criteria: Ambry Variant Classification Scheme 2023. Collection method: clinical testing. Allele origin: germline.
Comment: The p.L754Q variant (also known as c.2261T>A), located in coding exon 14 of the RAD50 gene, results from a T to A substitution at nucleotide position 2261. The leucine at codon 754 is replaced by glutamine, an amino acid with dissimilar properties. This amino acid position is highly conserved in available vertebrate species. In addition, the in silico prediction for this alteration is inconclusive. Since supporting evidence is limited at this time, the clinical significance of this alteration remains unclear.